The following is an entry in ClinVar:

NM_001395656.1(ROBO2):c.1450-10T>G

Gene: ROBO2 (roundabout guidance receptor 2; plus strand). Cytogenetic location: 3p12.3.
Variant type: single nucleotide variant.
Coding change: c.1450-10T>G on transcript NM_001395656.1 (MANE Select); 10 bases into the intron before coding-DNA position 1450, T replaced by G.
Molecular consequence: intron variant.
Genome position (GRCh38, 1-based): chr3:77,562,641, T>G. VCF-style: chr3-77562641-T-G. GRCh37 (hg19) VCF-style: chr3-77611792-T-G.
Other names: p.?; c.1498-10T>G (NM_001378191.1, NM_001378195.1, NM_001378196.1 and 4 more transcripts); c.1486-10T>G (NM_001128929.3); c.1519-10T>G (NM_001394213.1, NM_001378192.1, NM_001378198.1 and 2 more transcripts); c.1507-10T>G (NM_001394212.1, NM_001395657.1, NM_001394214.1); c.1450-10T>G (NM_001290040.2, NM_001290039.2, NM_001378202.1); c.-481-10T>G (NM_001290065.2); c.1438-10T>G (NM_001378197.1, NM_001378193.1, NM_002942.5).
Identifiers: ClinVar variation 3379475 (VCV003379475.1).

ClinVar aggregate classification (germline): Uncertain significance (1 of 4 stars; one submission).

gnomAD v4.1: 5 of 1,602,016 alleles (0.00031%); highest among the groups gnomAD compares: Non-Finnish European, 0.00043%; no homozygotes.

Submission:

Mayo Clinic Laboratories, Mayo Clinic
Classification: Uncertain significance. Last evaluated: 2023-09-27. Review status: criteria provided, single submitter. Criteria: ACMG Guidelines, 2015. Collection method: clinical testing. Allele origin: germline. Observed: 1 variant allele.
Comment: PM2